The following is an entry in ClinVar:

NM_001006658.3(CR2):c.752C>T (p.Pro251Leu)

Gene: CR2 (complement C3d receptor 2; plus strand). Cytogenetic location: 1q32.2.
Variant type: single nucleotide variant.
Coding change: c.752C>T on transcript NM_001006658.3 (MANE Select); coding-DNA position 752, C replaced by T.
Protein change: p.Pro251Leu; replaces proline 251 with leucine.
Molecular consequence: missense variant.
Genome position (GRCh38, 1-based): chr1:207,469,167, C>T. VCF-style: chr1-207469167-C-T. GRCh37 (hg19) VCF-style: chr1-207642512-C-T.
Other names: c.752C>T, p.Pro251Leu (NM_001877.5); short protein forms P251L.
Identifiers: ClinVar variation 1033184 (VCV001033184.6), dbSNP rs769307763, ClinGen allele CA1368539.

ClinVar aggregate classification (germline): Uncertain significance. Review status: criteria provided, multiple submitters, no conflicts (2 of 4 stars). 3 submissions from 3 submitters: Uncertain significance (3). Last evaluated 2023-04-11.

Conditions:
Immunodeficiency, common variable, 7. Identifiers: Orphanet 1572, Orphanet 696894, MedGen C3542922, MONDO:0013862, OMIM 614699.

Allele frequency attached by ClinVar (database versions not stated): TOPMed 0.00001; gnomAD exomes 0.00002 and 0.00001; ExAC 0.00001; gnomAD 0.00001.
gnomAD v4.1: 12 of 1,613,774 alleles (0.00074%); highest among the groups gnomAD compares: Admixed American, 0.0067%; no homozygotes.

Submissions (3):

Genome-Nilou Lab
Classification: Uncertain significance for Immunodeficiency, common variable, 7. Last evaluated: 2023-04-11. Review status: criteria provided, single submitter. Criteria: ACMG Guidelines, 2015. Collection method: clinical testing. Allele origin: germline. Affected: no.

Labcorp Genetics (formerly Invitae), Labcorp
Classification: Uncertain significance for Immunodeficiency, common variable, 7. Last evaluated: 2022-06-09. Review status: criteria provided, single submitter. Criteria: Invitae Variant Classification Sherloc (09022015). Collection method: clinical testing. Allele origin: germline.
Comment: This sequence change replaces proline, which is neutral and non-polar, with leucine, which is neutral and non-polar, at codon 251 of the CR2 protein (p.Pro251Leu). This variant is present in population databases (rs769307763, gnomAD 0.009%). This variant has not been reported in the literature in individuals affected with CR2-related conditions. ClinVar contains an entry for this variant (Variation ID: 1033184). Algorithms developed to predict the effect of missense changes on protein structure and function (SIFT, PolyPhen-2, Align-GVGD) all suggest that this variant is likely to be tolerated. In summary, the available evidence is currently insufficient to determine the role of this variant in disease. Therefore, it has been classified as a Variant of Uncertain Significance.

Baylor Genetics
Classification: Uncertain significance for Immunodeficiency, common variable, 7. Last evaluated: 2018-11-11. Review status: criteria provided, single submitter. Criteria: ACMG Guidelines, 2015. Collection method: clinical testing. Allele origin: paternal. Affected: yes.
Comment: This variant was determined to be of uncertain significance according to ACMG Guidelines, 2015 [PMID:25741868].